The following is an entry in ClinVar:

NM_001127222.2(CACNA1A):c.7139C>T (p.Pro2380Leu)

Gene: CACNA1A (calcium voltage-gated channel subunit alpha1 A; minus strand). Cytogenetic location: 19p13.13.
Variant type: single nucleotide variant.
Coding change: c.7139C>T on transcript NM_001127222.2 (MANE Select); coding-DNA position 7139, C replaced by T.
Protein change: p.Pro2380Leu; replaces proline 2380 with leucine.
Molecular consequence: missense variant. On other transcripts: 3 prime UTR variant (3).
Genome position (GRCh38, 1-based): chr19:13,207,695, G>A on the plus strand (C>T on the coding strand, the complement: CACNA1A is on the minus strand). VCF-style: chr19-13207695-G-A. GRCh37 (hg19) VCF-style: chr19-13318509-G-A.
Other names: c.*351C>T (NM_000068.4, NM_001127221.2, NM_001174080.2); c.7157C>T, p.Pro2386Leu (NM_023035.3); short protein forms P2380L, P2386L.
Identifiers: ClinVar variation 3347423 (VCV003347423.2).

ClinVar aggregate classification (germline): Uncertain significance. Review status: criteria provided, single submitter (1 of 4 stars). 2 submissions from 2 submitters: Uncertain significance (1). 1 of the submissions does not count toward it. Last evaluated 2025-02-26.

Conditions:
Inborn genetic diseases. Identifiers: MedGen C0950123, MeSH D030342.
CACNA1A-related disorder. Also called: CACNA1A-related condition.

gnomAD v4.1: 43 of 1,390,462 alleles (0.0031%); highest among the groups gnomAD compares: Non-Finnish European, 0.004%; no homozygotes.

Submissions (2):

Ambry Genetics
Classification: Uncertain significance for Inborn genetic diseases. Last evaluated: 2025-02-26. Review status: criteria provided, single submitter. Criteria: Ambry Variant Classification Scheme 2023. Collection method: clinical testing. Allele origin: germline.
Comment: Unlikely to be causative of CACNA1A-related spinocerebellar ataxia (AD) Based on insufficient or conflicting evidence, the clinical significance of this alteration remains unclear.

PreventionGenetics, part of Exact Sciences
Classification: Likely benign for CACNA1A-related condition. Last evaluated: 2024-09-24. Review status: no assertion criteria provided. Collection method: clinical testing. Allele origin: germline. Not counted in ClinVar's aggregate classification.
Comment: This variant is classified as likely benign based on ACMG/AMP sequence variant interpretation guidelines (Richards et al. 2015 PMID: 25741868, with internal and published modifications).